The following is an entry in ClinVar:

ClinVar aggregate classification (germline): Uncertain significance (1 of 4 stars; one submission).

Conditions:
Leigh syndrome (NULS). Also called: Leigh's necrotizing encephalopathy; Leigh's disease; Leigh Syndrome (mtDNA deletion); Leigh Disease; Subacute necrotizing encephalopathy; Necrotizing encephalopathy infantile subacute of Leigh. Identifiers: Orphanet 506, MedGen C2931891, MONDO:0009723, OMIM 256000.

Submission:

Wong Mito Lab, Molecular and Human Genetics, Baylor College of Medicine
Classification: Uncertain significance for Leigh syndrome. Last evaluated: 2019-10-17. Review status: criteria provided, single submitter. Criteria: Modified ACMG Guidelines (Unpublished). Collection method: clinical testing. Allele origin: germline.
Comment: The NC_012920.1:m.4665G>A (YP_003024027.1:p.Ala66Thr) variant in MTND2 gene is interpretated to be a Uncertain Significance variant based on the modified ACMG guidelines (unpublished). This variant meets the following evidence codes: PP7

NC_012920.1(MT-ND2):m.4665G>A

Gene: MT-ND2 (mitochondrially encoded NADH dehydrogenase 2; plus strand).
Variant type: single nucleotide variant.
Genome position: chrM-4665-G-A.
Identifiers: ClinVar variation 692475 (VCV000692475.1), dbSNP rs1603219544, ClinGen allele CA414775217.
Genomic context (GRCh38, chrMT:4,665, plus strand): 5'-AAAAAAATAAACCCTCGTTCCACAGAAGCTGCCATCAAGTATTTCCTCACGCAAGCAACC[G>A]CATCCATAATCCTTCTAATAGCTATCCTCTTCAACAATATACTCTCCGGACAATGAACCA-3'